The following is an entry in ClinVar:

NM_138694.4(PKHD1):c.881-8C>T

Gene: PKHD1 (PKHD1 ciliary IPT domain containing fibrocystin/polyductin; minus strand). Cytogenetic location: 6p12.2.
Variant type: single nucleotide variant.
Coding change: c.881-8C>T on transcript NM_138694.4 (MANE Select); 8 bases into the intron before coding-DNA position 881, C replaced by T.
Molecular consequence: intron variant.
Genome position (GRCh38, 1-based): chr6:52,065,058, G>A on the plus strand (C>T on the coding strand, the complement: PKHD1 is on the minus strand). VCF-style: chr6-52065058-G-A. GRCh37 (hg19) VCF-style: chr6-51929856-G-A.
Other names: c.881-8C>T (NM_170724.3).
Identifiers: ClinVar variation 698148 (VCV000698148.12), dbSNP rs546145058, ClinGen allele CA3853707.
Genomic context (GRCh38, chr6:52,065,058, plus strand): 5'-AGTGGTGCACTCAATCTTCCTGGGAGACACGTGTCTAATATCACATGGAATGCCTAAAGC[G>A]AATTAAAGAAATTTATGTATGTGTGTGTGTGTAGGTATACATATATATGTATATGTGTGT-3'

ClinVar aggregate classification (germline): Likely benign. Review status: criteria provided, single submitter (1 of 4 stars). 2 submissions from 2 submitters: Likely benign (1). 1 of the submissions does not count toward it. Last evaluated 2026-01-26.

Conditions:
Autosomal recessive polycystic kidney disease (ARPKD). Also called: AR polycystic kidney disease. Identifiers: Orphanet 731, Orphanet 8378, MedGen C0085548, MeSH D017044, MONDO:0009889.
PKHD1-related disorder. Also called: PKHD1-related condition.

Allele frequency attached by ClinVar (database versions not stated): gnomAD 0.00001; gnomAD exomes 0.00001; ExAC 0.00002; 1000 Genomes Project 0.00020.
gnomAD v4.1: 12 of 1,507,474 alleles (0.0008%); highest among the groups gnomAD compares: Admixed American, 0.0086%; no homozygotes.

Submissions (2):

Labcorp Genetics (formerly Invitae), Labcorp
Classification: Likely benign for Autosomal recessive polycystic kidney disease. Last evaluated: 2026-01-26. Review status: criteria provided, single submitter. Criteria: Invitae Variant Classification Sherloc (09022015). Collection method: clinical testing. Allele origin: germline.

PreventionGenetics, part of Exact Sciences
Classification: Likely benign for PKHD1-related condition. Last evaluated: 2024-09-23. Review status: no assertion criteria provided. Collection method: clinical testing. Allele origin: germline. Not counted in ClinVar's aggregate classification.
Comment: This variant is classified as likely benign based on ACMG/AMP sequence variant interpretation guidelines (Richards et al. 2015 PMID: 25741868, with internal and published modifications).